The following is an entry in ClinVar:

ClinVar aggregate classification (germline): Uncertain significance (1 of 4 stars; one submission).

Allele frequency attached by ClinVar (database versions not stated): gnomAD exomes below 0.00001.
gnomAD v4.1: 3 of 1,554,498 alleles (0.00019%); highest among the groups gnomAD compares: Non-Finnish European, 0.00017%; no homozygotes.

Submission:

CeGaT Center for Human Genetics Tuebingen
Classification: Uncertain significance. Last evaluated: 2023-10-01. Review status: criteria provided, single submitter. Criteria: CeGaT Center For Human Genetics Tuebingen Variant Classification Criteria Version 2. Collection method: clinical testing. Allele origin: germline. Affected: yes. Observed: 1 variant allele.
Comment: SOX10: PM2, BP4

NM_006941.4(SOX10):c.429-3C>A

Genes: POLR2F (RNA polymerase II, I and III subunit F; plus strand), SOX10 (SRY-box transcription factor 10; minus strand). Cytogenetic location: 22q13.1.
Variant type: single nucleotide variant.
Coding change: c.429-3C>A on transcript NM_006941.4 (MANE Select); 3 bases into the intron before coding-DNA position 429, C replaced by A.
Molecular consequence: intron variant.
Genome position (GRCh38, 1-based): chr22:37,978,138, G>T on the plus strand (C>A on the coding strand, the complement: SOX10 is on the minus strand). VCF-style: chr22-37978138-G-T. GRCh37 (hg19) VCF-style: chr22-38374145-G-T.
Other names: c.*38+5828G>T (NM_001363825.1); c.294-8016G>T (NM_001301130.2); c.293+10968G>T (NM_001301131.2).
Identifiers: ClinVar variation 2653131 (VCV002653131.22), dbSNP rs1369448226, ClinGen allele CA639395377.